The following is an entry in ClinVar:

ClinVar aggregate classification (germline): Uncertain significance (1 of 4 stars; one submission).

Submission:

Labcorp Genetics (formerly Invitae), Labcorp
Classification: Uncertain significance. Last evaluated: 2023-12-26. Review status: criteria provided, single submitter. Criteria: Invitae Variant Classification Sherloc (09022015). Collection method: clinical testing. Allele origin: germline.
Comment: This sequence change falls in intron 3 of the COQ6 gene. It does not directly change the encoded amino acid sequence of the COQ6 protein. This variant is not present in population databases (gnomAD no frequency). This variant has not been reported in the literature in individuals affected with COQ6-related conditions. Algorithms developed to predict the effect of sequence changes on RNA splicing suggest that this variant may disrupt the consensus splice site. In summary, the available evidence is currently insufficient to determine the role of this variant in disease. Therefore, it has been classified as a Variant of Uncertain Significance.

NM_182476.3(COQ6):c.358-11T>A

Genes: COQ6 (coenzyme Q6, monooxygenase; plus strand), ENTPD5 (ectonucleoside triphosphate diphosphohydrolase 5; minus strand). Cytogenetic location: 14q24.3.
Variant type: single nucleotide variant.
Coding change: c.358-11T>A on transcript NM_182476.3 (MANE Select); 11 bases into the intron before coding-DNA position 358, T replaced by A.
Molecular consequence: intron variant. On other transcripts: 3 prime UTR variant (1).
Genome position (GRCh38, 1-based): chr14:73,955,794, T>A. VCF-style: chr14-73955794-T-A. GRCh37 (hg19) VCF-style: chr14-74422497-T-A.
Other names: c.*26A>T (NM_001382262.1); c.283-11T>A (NM_001425258.1, NM_182480.3); c.133-11T>A (NM_001425259.1, NM_001425261.1, NM_001425260.1); c.31-11T>A (NM_001425263.1); c.358-11T>A (NM_001425255.1, NM_001425256.1); c.-52-11T>A (NM_001425265.1, NM_001425264.1); c.357+285T>A (NM_001425262.1); c.193-11T>A (NM_001425257.1); and 1 more.
Identifiers: ClinVar variation 2703796 (VCV002703796.3), dbSNP rs2503017535, ClinGen allele CA2697554016.